The following is an entry in ClinVar:

ClinVar aggregate classification (germline): Conflicting classifications of pathogenicity. Review status: criteria provided, conflicting classifications (1 of 4 stars). 2 submissions from 2 submitters: Uncertain significance (1); Likely benign (1). Last evaluated 2022-10-28.

Conditions:
Dyskeratosis congenita. Identifiers: Orphanet 1775, MedGen C0265965, MONDO:0015780.

Allele frequency attached by ClinVar (database versions not stated): gnomAD exomes below 0.00001.
gnomAD v4.1: 2 of 1,612,702 alleles (0.00012%); highest among the groups gnomAD compares: Admixed American, 0.0017%; no homozygotes.

Submissions (2):

Blueprint Genetics
Classification: Likely benign. Last evaluated: 2022-10-28. Review status: criteria provided, single submitter. Criteria: ACMG Guidelines, 2015. Collection method: clinical testing. Allele origin: germline.

Labcorp Genetics (formerly Invitae), Labcorp
Classification: Uncertain significance for Dyskeratosis congenita. Last evaluated: 2022-05-07. Review status: criteria provided, single submitter. Criteria: Invitae Variant Classification Sherloc (09022015). Collection method: clinical testing. Allele origin: germline.
Comment: This variant has not been reported in the literature in individuals affected with CTC1-related conditions. In summary, the available evidence is currently insufficient to determine the role of this variant in disease. Therefore, it has been classified as a Variant of Uncertain Significance. Algorithms developed to predict the effect of missense changes on protein structure and function output the following: SIFT: "Tolerated"; PolyPhen-2: "Benign"; Align-GVGD: "Class C0". The valine amino acid residue is found in multiple mammalian species, which suggests that this missense change does not adversely affect protein function. This variant is not present in population databases (gnomAD no frequency). This sequence change replaces isoleucine, which is neutral and non-polar, with valine, which is neutral and non-polar, at codon 838 of the CTC1 protein (p.Ile838Val).

NM_025099.6(CTC1):c.2512A>G (p.Ile838Val)

Gene: CTC1 (CST telomere replication complex component 1; minus strand). Cytogenetic location: 17p13.1.
Variant type: single nucleotide variant.
Coding change: c.2512A>G on transcript NM_025099.6 (MANE Select); coding-DNA position 2512, A replaced by G.
Protein change: p.Ile838Val; replaces isoleucine 838 with valine.
Molecular consequence: missense variant. On other transcripts: non-coding transcript variant (1).
Genome position (GRCh38, 1-based): chr17:8,231,433, T>C on the plus strand (A>G on the coding strand, the complement: CTC1 is on the minus strand). VCF-style: chr17-8231433-T-C. GRCh37 (hg19) VCF-style: chr17-8134751-T-C.
Other names: c.2512A>G, p.Ile838Val (NM_001411067.1); short protein forms I838V.
Identifiers: ClinVar variation 2086350 (VCV002086350.5), dbSNP rs1987213433, ClinGen allele CA397976195.